The following is an entry in ClinVar:

NM_021830.5(TWNK):c.882A>C (p.Leu294Phe)

Gene: TWNK (twinkle mtDNA helicase; plus strand). Cytogenetic location: 10q24.31.
Variant type: single nucleotide variant.
Coding change: c.882A>C on transcript NM_021830.5 (MANE Select); coding-DNA position 882, A replaced by C.
Protein change: p.Leu294Phe; replaces leucine 294 with phenylalanine.
Molecular consequence: missense variant. On other transcripts: non-coding transcript variant (4), intron variant (3).
Genome position (GRCh38, 1-based): chr10:100,989,092, A>C. VCF-style: chr10-100989092-A-C. GRCh37 (hg19) VCF-style: chr10-102748849-A-C.
Other names: c.882A>C, p.Leu294Phe (NM_001163812.2); c.-119-552A>C (NM_001163814.2, NM_001163813.2); c.-57-614A>C (NM_001368275.1); short protein forms L294F.
Identifiers: ClinVar variation 3719283 (VCV003719283.2).

ClinVar aggregate classification (germline): Uncertain significance (1 of 4 stars; one submission).

Submission:

Labcorp Genetics (formerly Invitae), Labcorp
Classification: Uncertain significance. Last evaluated: 2024-11-10. Review status: criteria provided, single submitter. Criteria: Invitae Variant Classification Sherloc (09022015). Collection method: clinical testing. Allele origin: germline.
Comment: This sequence change replaces leucine, which is neutral and non-polar, with phenylalanine, which is neutral and non-polar, at codon 294 of the TWNK protein (p.Leu294Phe). This variant is not present in population databases (gnomAD no frequency). This variant has not been reported in the literature in individuals affected with TWNK-related conditions. Invitae Evidence Modeling of protein sequence and biophysical properties (such as structural, functional, and spatial information, amino acid conservation, physicochemical variation, residue mobility, and thermodynamic stability) indicates that this missense variant is expected to disrupt TWNK protein function with a positive predictive value of 95%. In summary, the available evidence is currently insufficient to determine the role of this variant in disease. Therefore, it has been classified as a Variant of Uncertain Significance.